The following is an entry in ClinVar:

NM_018109.4(MTPAP):c.1108A>G (p.Ile370Val)

Gene: MTPAP (mitochondrial poly(A) polymerase; minus strand). Cytogenetic location: 10p11.23.
Variant type: single nucleotide variant.
Coding change: c.1108A>G on transcript NM_018109.4 (MANE Select); coding-DNA position 1108, A replaced by G.
Protein change: p.Ile370Val; replaces isoleucine 370 with valine.
Molecular consequence: missense variant.
Genome position (GRCh38, 1-based): chr10:30,322,502, T>C on the plus strand (A>G on the coding strand, the complement: MTPAP is on the minus strand). VCF-style: chr10-30322502-T-C. GRCh37 (hg19) VCF-style: chr10-30611431-T-C.
Other names: short protein forms I370V.
Identifiers: ClinVar variation 2081566 (VCV002081566.3), dbSNP rs925458590, ClinGen allele CA205306637.

ClinVar aggregate classification (germline): Uncertain significance. Review status: criteria provided, multiple submitters, no conflicts (2 of 4 stars). 2 submissions from 2 submitters: Uncertain significance (2). Last evaluated 2025-03-17.

Conditions:
Inborn genetic diseases. Identifiers: MedGen C0950123, MeSH D030342.

Allele frequency attached by ClinVar (database versions not stated): TOPMed below 0.00001; gnomAD 0.00001; gnomAD exomes 0.00001.
gnomAD v4.1: 18 of 1,613,730 alleles (0.0011%); highest among the groups gnomAD compares: Admixed American, 0.012%; no homozygotes.

Submissions (2):

Labcorp Genetics (formerly Invitae), Labcorp
Classification: Uncertain significance. Last evaluated: 2025-03-17. Review status: criteria provided, single submitter. Criteria: Invitae Variant Classification Sherloc (09022015). Collection method: clinical testing. Allele origin: germline.
Comment: This sequence change replaces isoleucine, which is neutral and non-polar, with valine, which is neutral and non-polar, at codon 370 of the MTPAP protein (p.Ile370Val). This variant is present in population databases (no rsID available, gnomAD 0.009%). This variant has not been reported in the literature in individuals affected with MTPAP-related conditions. ClinVar contains an entry for this variant (Variation ID: 2081566). Invitae Evidence Modeling of protein sequence and biophysical properties (such as structural, functional, and spatial information, amino acid conservation, physicochemical variation, residue mobility, and thermodynamic stability) indicates that this missense variant is not expected to disrupt MTPAP protein function with a negative predictive value of 80%. In summary, the available evidence is currently insufficient to determine the role of this variant in disease. Therefore, it has been classified as a Variant of Uncertain Significance.

Ambry Genetics
Classification: Uncertain significance for Inborn genetic diseases. Last evaluated: 2022-05-11. Review status: criteria provided, single submitter. Criteria: Ambry Variant Classification Scheme 2023. Collection method: clinical testing. Allele origin: germline.